The following is an entry in ClinVar:

NM_005560.6(LAMA5):c.4091G>A (p.Arg1364His)

Gene: LAMA5 (laminin subunit alpha 5; minus strand). Cytogenetic location: 20q13.33.
Variant type: single nucleotide variant.
Coding change: c.4091G>A on transcript NM_005560.6 (MANE Select); coding-DNA position 4091, G replaced by A.
Protein change: p.Arg1364His; replaces arginine 1364 with histidine.
Molecular consequence: missense variant.
Genome position (GRCh38, 1-based): chr20:62,329,805, C>T on the plus strand (G>A on the coding strand, the complement: LAMA5 is on the minus strand). VCF-style: chr20-62329805-C-T. GRCh37 (hg19) VCF-style: chr20-60904861-C-T.
Other names: short protein forms R1364H.
Identifiers: ClinVar variation 1377230 (VCV001377230.6), dbSNP rs368363485, ClinGen allele CA9942734.

ClinVar aggregate classification (germline): Uncertain significance. Review status: criteria provided, multiple submitters, no conflicts (2 of 4 stars). 2 submissions from 2 submitters: Uncertain significance (2). Last evaluated 2024-01-08.

Conditions:
Nephrotic syndrome. Identifiers: MedGen C0027726, MONDO:0005377, HP:0000100.

Allele frequency attached by ClinVar (database versions not stated): ExAC 0.00004; gnomAD 0.00004; TOPMed 0.00005; gnomAD exomes 0.00006 and 0.00017; ESP Exome Variant Server 0.00008.
gnomAD v4.1: 243 of 1,612,314 alleles (0.015%); highest among the groups gnomAD compares: Middle Eastern, 0.033%; no homozygotes.

Submissions (2):

Labcorp Genetics (formerly Invitae), Labcorp
Classification: Uncertain significance. Last evaluated: 2024-01-08. Review status: criteria provided, single submitter. Criteria: Invitae Variant Classification Sherloc (09022015). Collection method: clinical testing. Allele origin: germline.
Comment: This sequence change replaces arginine, which is basic and polar, with histidine, which is basic and polar, at codon 1364 of the LAMA5 protein (p.Arg1364His). This variant is present in population databases (rs368363485, gnomAD 0.02%). This variant has not been reported in the literature in individuals affected with LAMA5-related conditions. ClinVar contains an entry for this variant (Variation ID: 1377230). An algorithm developed to predict the effect of missense changes on protein structure and function (PolyPhen-2) suggests that this variant¬†is likely to be tolerated. In summary, the available evidence is currently insufficient to determine the role of this variant in disease. Therefore, it has been classified as a Variant of Uncertain Significance.

Molecular Genetics, Royal Melbourne Hospital
Classification: Uncertain significance for Nephrotic syndrome. Last evaluated: 2023-03-30. Review status: criteria provided, single submitter. Criteria: ACMG Guidelines, 2015. Collection method: clinical testing. Allele origin: germline.
Comment: This sequence change is predicted to replace arginine with histidine at codon 1364 of the LAMA5 protein (p.(Arg1364His)). The arginine residue is highly conserved (100 vertebrates, UCSC), and is not located in a known functional domain. There is a small physicochemical difference between arginine and histidine. The variant is present in a large population cohort at a frequency of 0.006% (rs368363485, 17/277,908 alleles, 0 homozygotes in gnomAD v2.1), and has not been reported in association with renal disease (PMID: 31321674). Multiple lines of computational evidence predict a deleterious effect for the missense substitution (3/5 algorithms). Based on the classification scheme RMH Modified ACMG Guidelines v1.4.0, this variant is classified as a VARIANT OF UNCERTAIN SIGNIFICANCE in a gene of uncertain significance. Following criteria are met: PM2_Supporting.

Literature cited by the submitters: PubMed 31321674 (cited by Molecular Genetics, Royal Melbourne Hospital).